The following is an entry in ClinVar:

NM_015335.5(MED13L):c.1136G>A (p.Arg379Gln)

Gene: MED13L (mediator complex subunit 13L; minus strand). Cytogenetic location: 12q24.21.
Variant type: single nucleotide variant.
Coding change: c.1136G>A on transcript NM_015335.5 (MANE Select); coding-DNA position 1136, G replaced by A.
Protein change: p.Arg379Gln; replaces arginine 379 with glutamine.
Molecular consequence: missense variant.
Genome position (GRCh38, 1-based): chr12:116,015,148, C>T on the plus strand (G>A on the coding strand, the complement: MED13L is on the minus strand). VCF-style: chr12-116015148-C-T. GRCh37 (hg19) VCF-style: chr12-116452953-C-T.
Other names: short protein forms R379Q.
Identifiers: ClinVar variation 2719011 (VCV002719011.4), dbSNP rs758022508, ClinGen allele CA6811493.

ClinVar aggregate classification (germline): Uncertain significance. Review status: criteria provided, multiple submitters, no conflicts (2 of 4 stars). 2 submissions from 2 submitters: Uncertain significance (2). Last evaluated 2023-09-08.

Conditions:
Cardiac anomalies - developmental delay - facial dysmorphism syndrome (MRFACD). Also called: Impaired intellectual development and distinctive facial features with or without cardiac defects; MED13L Syndrome. Identifiers: Orphanet 369891, MedGen C5192431, MONDO:0014773, OMIM 616789.
Dextro-looped transposition of the great arteries. Also called: Dextrotransposition of the great arteries. Identifiers: Orphanet 860, MedGen C3531771, MONDO:0019443, OMIM 608808, HP:0031348.

Allele frequency attached by ClinVar (database versions not stated): TOPMed 0.00001; ExAC 0.00002; gnomAD exomes 0.00002.
gnomAD v4.1: 24 of 1,613,756 alleles (0.0015%); highest among the groups gnomAD compares: South Asian, 0.014%; no homozygotes.

Submissions (2):

Labcorp Genetics (formerly Invitae), Labcorp
Classification: Uncertain significance for Dextro-looped transposition of the great arteries. Last evaluated: 2023-09-08. Review status: criteria provided, single submitter. Criteria: Invitae Variant Classification Sherloc (09022015). Collection method: clinical testing. Allele origin: germline.
Comment: In summary, the available evidence is currently insufficient to determine the role of this variant in disease. Therefore, it has been classified as a Variant of Uncertain Significance. Advanced modeling of protein sequence and biophysical properties (such as structural, functional, and spatial information, amino acid conservation, physicochemical variation, residue mobility, and thermodynamic stability) performed at Invitae indicates that this missense variant is not expected to disrupt MED13L protein function. This variant has not been reported in the literature in individuals affected with MED13L-related conditions. This variant is present in population databases (rs758022508, gnomAD 0.01%). This sequence change replaces arginine, which is basic and polar, with glutamine, which is neutral and polar, at codon 379 of the MED13L protein (p.Arg379Gln).

Neuberg Centre For Genomic Medicine, NCGM
Classification: Uncertain significance for Cardiac anomalies - developmental delay - facial dysmorphism syndrome. Review status: criteria provided, single submitter. Criteria: ACMG Guidelines, 2015. Collection method: clinical testing. Allele origin: germline. Inheritance: Autosomal dominant inheritance. Affected: yes.
Comment: The missense variant c.1136G>A (p.Arg379Gln) in the MED13L gene has not been reported previously as a pathogenic variant nor as a benign variant, to our knowledge. This variant is reported with the allele frequency (0.001%) in the gnomAD Exomes. The amino acid Arg at position 379 is changed to a Gln changing protein sequence and it might alter its composition and physico-chemical properties. Computational evidence (Polyphen, SIFT and MutationTaster) predicts conflicting evidence on protein structure and function for this variant. The amino acid change p.Arg379Gln in MED13L is predicted as conserved by GERP++ and PhyloP across 100 vertebrates. For these reasons, this variant has been classified as Uncertain Significance.